The following is an entry in ClinVar:

NM_001244710.2(GFPT1):c.329A>G (p.Gln110Arg)

Gene: GFPT1 (glutamine--fructose-6-phosphate transaminase 1; minus strand). Cytogenetic location: 2p13.3.
Variant type: single nucleotide variant.
Coding change: c.329A>G on transcript NM_001244710.2 (MANE Select); coding-DNA position 329, A replaced by G.
Protein change: p.Gln110Arg; replaces glutamine 110 with arginine.
Molecular consequence: missense variant.
Genome position (GRCh38, 1-based): chr2:69,363,565, T>C on the plus strand (A>G on the coding strand, the complement: GFPT1 is on the minus strand). VCF-style: chr2-69363565-T-C. GRCh37 (hg19) VCF-style: chr2-69590697-T-C.
Other names: c.329A>G, p.Gln110Arg (NM_002056.4); short protein forms Q110R.
Identifiers: ClinVar variation 336879 (VCV000336879.7), dbSNP rs886056261, ClinGen allele CA10613865.
Genomic context (GRCh38, chr2:69,363,565, plus strand): 5'-TTTCCACAATCATTCCAAAGCACAAAAAATCTTTCCATACCATTATTTTTATCAGAGCGC[T>C]GGGGGTGGCTATTGACAGGACTGGGTTCTCCATGTGTTGCCCAACGGGTATGAGCTATTC-3'
Protein context (NP_001231639.1, residues 100-120): GEPSPVNSHP[Gln110Arg]RSDKNNEFIV

ClinVar aggregate classification (germline): Uncertain significance. Review status: criteria provided, multiple submitters, no conflicts (2 of 4 stars). 2 submissions from 2 submitters: Uncertain significance (2). Last evaluated 2021-08-31.

Conditions:
Congenital myasthenic syndrome 12 (CMS12). Also called: MYASTHENIC SYNDROME, CONGENITAL, WITH TUBULAR AGGREGATES 1; Myasthenia, congenital, 12, with tubular aggregates. Identifiers: Orphanet 353327, Orphanet 590, MedGen C3552335, MONDO:0012518, OMIM 610542.

Allele frequency attached by ClinVar (database versions not stated): gnomAD exomes below 0.00001; TOPMed below 0.00001.
gnomAD v4.1: 1 of 1,614,094 alleles (0.000062%); highest among the groups gnomAD compares: Non-Finnish European, 0.000085%; no homozygotes.

Submissions (2):

Labcorp Genetics (formerly Invitae), Labcorp
Classification: Uncertain significance for Congenital myasthenic syndrome 12. Last evaluated: 2021-08-31. Review status: criteria provided, single submitter. Criteria: Invitae Variant Classification Sherloc (09022015). Collection method: clinical testing. Allele origin: germline.
Comment: This sequence change replaces glutamine with arginine at codon 110 of the GFPT1 protein (p.Gln110Arg). The glutamine residue is moderately conserved and there is a small physicochemical difference between glutamine and arginine. This variant is not present in population databases (ExAC no frequency). This variant has not been reported in the literature in individuals affected with GFPT1-related conditions. ClinVar contains an entry for this variant (Variation ID: 336879). Algorithms developed to predict the effect of missense changes on protein structure and function are either unavailable or do not agree on the potential impact of this missense change (SIFT: "Tolerated"; PolyPhen-2: "Possibly Damaging"; Align-GVGD: "Class C0"). In summary, the available evidence is currently insufficient to determine the role of this variant in disease. Therefore, it has been classified as a Variant of Uncertain Significance.

Illumina Laboratory Services, Illumina
Classification: Uncertain significance for Congenital myasthenic syndrome 12. Last evaluated: 2018-01-12. Review status: criteria provided, single submitter. Criteria: ICSL Variant Classification Criteria 13 December 2019. Collection method: clinical testing. Allele origin: germline.